The following is an entry in ClinVar:

ClinVar aggregate classification (germline): Uncertain significance (1 of 4 stars; one submission).

Allele frequency attached by ClinVar (database versions not stated): TOPMed below 0.00001; gnomAD exomes 0.00003.
gnomAD v4.1: 36 of 1,614,012 alleles (0.0022%); highest among the groups gnomAD compares: Non-Finnish European, 0.0031%; no homozygotes.

Submission:

GeneDx
Classification: Uncertain significance. Last evaluated: 2017-03-06. Review status: criteria provided, single submitter. Criteria: GeneDx Variant Classification (06012015). Collection method: clinical testing. Allele origin: germline. Affected: yes.
Comment: To our knowledge, the L365P variant has not been published as a pathogenic variant, nor has it been reported as a benign variant. The L365P variant is not observed in large population cohorts (Lek et al., 2016; 1000 Genomes Consortium et al., 2015; Exome Variant Server). It is a semi-conservative amino acid substitution, which may impact secondary protein structure as these residues differ in some properties. This substitution occurs at a position where amino acids with similar properties to Leucine are tolerated across species. In silico analysis predicts this variant is probably damaging tothe protein structure/function. Missense variants at the same (L365Q) and in nearby residues (T364R/M, N370D) have been reported in the Human Gene Mutation Database in association with PXE (Stenson et al., 2014), supporting the functional importance of this region of the protein. In summary, based on the currently available information, it is unclear whether this variant is a pathogenic variant or a rare benign variant.

NM_001171.6(ABCC6):c.1094T>C (p.Leu365Pro)

Gene: ABCC6 (ATP binding cassette subfamily C member 6; minus strand). Cytogenetic location: 16p13.11.
Variant type: single nucleotide variant.
Coding change: c.1094T>C on transcript NM_001171.6 (MANE Select); coding-DNA position 1094, T replaced by C.
Protein change: p.Leu365Pro; replaces leucine 365 with proline.
Molecular consequence: missense variant. On other transcripts: non-coding transcript variant (1).
Genome position (GRCh38, 1-based): chr16:16,202,083, A>G on the plus strand (T>C on the coding strand, the complement: ABCC6 is on the minus strand). VCF-style: chr16-16202083-A-G. GRCh37 (hg19) VCF-style: chr16-16295940-A-G.
Other names: c.752T>C, p.Leu251Pro (NM_001351800.1); short protein forms L365P, L251P.
Identifiers: ClinVar variation 420643 (VCV000420643.2), dbSNP rs1064794607, ClinGen allele CA16620077.